The following is an entry in ClinVar:

ClinVar aggregate classification (germline): Uncertain significance (1 of 4 stars; one submission).

Submission:

Women's Health and Genetics/Laboratory Corporation of America, LabCorp
Classification: Uncertain significance. Last evaluated: 2025-06-13. Review status: criteria provided, single submitter. Criteria: LabCorp Variant Classification Summary - May 2015. Collection method: clinical testing. Allele origin: germline.
Comment: Variant summary: MMUT c.1048C>G (p.His350Asp) results in a non-conservative amino acid change in the encoded protein sequence. Algorithms developed to predict the effect of missense changes on protein structure and function all suggest that this variant is likely to be disruptive. The variant was absent in 1612278 control chromosomes. The available data on variant occurrences in the general population are insufficient to allow any conclusion about variant significance. To our knowledge, no occurrence of c.1048C>G in individuals affected with Methylmalonic Acidemia and no experimental evidence demonstrating its impact on protein function have been reported. No submitters have cited clinical-significance assessments for this variant to ClinVar. Based on the evidence outlined above, the variant was classified as uncertain significance.

NM_000255.4(MMUT):c.1048C>G (p.His350Asp)

Gene: MMUT (methylmalonyl-CoA mutase; minus strand). Cytogenetic location: 6p12.3.
Variant type: single nucleotide variant.
Coding change: c.1048C>G on transcript NM_000255.4 (MANE Select); coding-DNA position 1048, C replaced by G.
Protein change: p.His350Asp; replaces histidine 350 with aspartic acid.
Molecular consequence: missense variant.
Genome position (GRCh38, 1-based): chr6:49,453,620, G>C on the plus strand (C>G on the coding strand, the complement: MMUT is on the minus strand). VCF-style: chr6-49453620-G-C. GRCh37 (hg19) VCF-style: chr6-49421333-G-C.
Other names: short protein forms H350D.
Identifiers: ClinVar variation 3907129 (VCV003907129.1).
Genomic context (GRCh38, chr6:49,453,620, plus strand): 5'-TCTACATTTTAAATTATATACATACCTGCTCAGTAAGTGACCATCCAGATGTCTGACAGT[G>C]TGCTCTTAGAAGAAGAGATTTTGAGTTTTTAGGCTGAAACATTTTCTCTATTAAGTGAGC-3'
Protein context (NP_000246.2, residues 340-360): KNSKSLLLRA[His350Asp]CQTSGWSLTE